The following is an entry in ClinVar:

NM_016247.4(IMPG2):c.3233+3A>G

Gene: IMPG2 (interphotoreceptor matrix proteoglycan 2; minus strand). Cytogenetic location: 3q12.3.
Variant type: single nucleotide variant.
Coding change: c.3233+3A>G on transcript NM_016247.4 (MANE Select); 3 bases into the intron after coding-DNA position 3233, A replaced by G.
Molecular consequence: intron variant.
Genome position (GRCh38, 1-based): chr3:101,232,778, T>C on the plus strand (A>G on the coding strand, the complement: IMPG2 is on the minus strand). VCF-style: chr3-101232778-T-C. GRCh37 (hg19) VCF-style: chr3-100951622-T-C.
Identifiers: ClinVar variation 1950791 (VCV001950791.5), dbSNP rs1344643343, ClinGen allele CA2580068559.

ClinVar aggregate classification (germline): Uncertain significance (1 of 4 stars; one submission).

Submission:

Labcorp Genetics (formerly Invitae), Labcorp
Classification: Uncertain significance. Last evaluated: 2022-05-27. Review status: criteria provided, single submitter. Criteria: Invitae Variant Classification Sherloc (09022015). Collection method: clinical testing. Allele origin: germline.
Comment: This sequence change falls in intron 15 of the IMPG2 gene. It does not directly change the encoded amino acid sequence of the IMPG2 protein. It affects a nucleotide within the consensus splice site. In summary, the available evidence is currently insufficient to determine the role of this variant in disease. Therefore, it has been classified as a Variant of Uncertain Significance. Variants that disrupt the consensus splice site are a relatively common cause of aberrant splicing (PMID: 17576681, 9536098). Algorithms developed to predict the effect of sequence changes on RNA splicing suggest that this variant is not likely to affect RNA splicing. This variant has not been reported in the literature in individuals affected with IMPG2-related conditions. This variant is not present in population databases (gnomAD no frequency).

Literature cited by the submitters: PubMed 17576681; PubMed 9536098.